The following continues an entry in ClinVar:

NM_007194.4(CHEK2):c.1283C>T (p.Ser428Phe)

Gene: CHEK2. ClinVar aggregate classification (germline): Conflicting classifications of pathogenicity. Pathogenic (21); Likely pathogenic (11); Pathogenic, low penetrance (1); Established risk allele (1); Likely risk allele (1); Uncertain significance (1).

Submission 42 of 42:

Department of Pathology and Laboratory Medicine, Sinai Health System
Classification: Likely pathogenic for Malignant tumor of breast. Review status: no assertion criteria provided. Collection method: clinical testing. Allele origin: unknown. Affected: yes. Study: The Canadian Open Genetics Repository (COGR). Not counted in ClinVar's aggregate classification.
Comment: The CHEK2 p.Ser428Phe variant was identified in 65 of 4516 proband chromosomes (frequency: 0.014) from Ashkenazi Jewish individuals or families with breast, ovarian, cancer and French Canadian patients with prostate cancer (Laitman 2007, Shaag 2005, Walsh 2006, Tischkowitz 2008). The variant was also identified in the following databases: dbSNP (ID: rs137853011) as â€šÃ„ÃºWith Pathogenic alleleâ€šÃ„Ã¹, ClinVar (7x, as pathogenic by GeneDx, Ambry Genetics, Invitae, University of Washington, Color Genomics, Illumina and 1x, as uncertain significance by Illumina), Clinvitae (6x, as pathogenic, 1x as uncertain significance), Cosmic (1x urinary tract carcinoma), Zhejiang Colon Cancer Database (3x). The variant was not identified in MutDB. The variant was identified in control databases in 127 of 276646 (1 homozygous) chromosomes at a frequency of 0.0005 in the following populations: other in 5 of 6452 chromosomes (freq. 0.0008), European in 9 of 126256 chromosomes (freq. 0.00007), Ashkenazi Jewish in 112 of 10144 (1 homozygous) chromosomes (freq. 0.001), and South Asian in 1 of 30732 chromosomes (freq. 0.00003) (Genome Aggregation Consortium Feb 27, 2017). Population studies have identified the p.Ser428Phe variant as a founder allele in the AJ population; one study concluded that the CHEK2, p.Ser428Phe variant increases breast cancer risk by two fold among Ashkenazi Jewish women (Shaag 2005) though it has been noted that the control group in this study included a large proportion (43.3%) of adults who underwent pre-marriage counseling in Jerusalem and were likely much younger than the cases (Mundt 2017). Functional studies revealed this variant to have loss of CHEK2-mediated DNA damage response (Roeb 2012) and to impair protein function in yeast complementation assays (Shaag 2005, Tischkowitz 2008); however, these studies are not considered sufficient evidence of pathogenicity because of the known variability of yeast assays for CHEK2 (Mundt 2017). Co-segregation with breast cancer has been reported in at least three Ashkenazi Jewish families with the CHEK2 p.Ser428Phe variant (Laitman 2007, Roeb 2012). Loss of heterozygosity was observed in breast tumors from two individuals heterozygous for CHEK2 p.Ser428Phe, suggesting this variant may be involved in tumor growth (Shaag 2005). The p.Ser428Phe residue is conserved in mammals and computational analyses (PolyPhen-2, SIFT, AlignGVGD, BLOSUM, MutationTaster) provide inconsistent predictions regarding the impact to the protein; this information is not very predictive of pathogenicity. The variant occurs outside of the splicing consensus sequence and in silico or computational prediction software programs (SpliceSiteFinder, MaxEntScan, NNSPLICE, GeneSplicer, HumanSpliceFinder) do not predict a difference in splicing. The variant is located within the kinase domain increasing the likelihood that it may have clinical significance. The challenge of interpreting these data has been highlighted by two papers (Mundt 2017, Balmana 2016). Conflicting interpretation of functional data as well as interpretation of the variantâ€šÃ„Ã´s relatively high allele frequency in control databases are thought to reflect the challenges of describing a so-called low-penetrance susceptibility allele in a format designed for high-penetrance alleles and rather than being universally low-penetrance, variants in this category may be associated with an increased risk for a subset of individuals, especially for those with a personal or family history of early-onset breast cancer (Byrnes 2008). Given the high frequency of this variant in the Ashkenazi Jewish population and the apparent low penetrance with this variant, a classification of likely pathogenic is conservative. In summary, based on the above information, the clinical significance of this variant cannot be determined with certainty at this time. This variant is classified as likely pathogenic.

Literature cited by the submitters: PubMed 15649950 (cited by 13 submitters); PubMed 22419737 (cited by 13 submitters); PubMed 18571837 (cited by 8 submitters); PubMed 28727877 (cited by 6 submitters); PubMed 30152102 (cited by 5 submitters); PubMed 34622392 (cited by 6 submitters); PubMed 36136322 (cited by 3 submitters); PubMed 35264596 (cited by 3 submitters); PubMed 27153395 (cited by 3 submitters); PubMed 27751358 (cited by Quest Diagnostics Nichols Institute San Juan Capistrano and Ambry Genetics); PubMed 18085035 (cited by 8 submitters); PubMed 29961768 (cited by Quest Diagnostics Nichols Institute San Juan Capistrano and Women's Health and Genetics/Laboratory Corporation of America, LabCorp); PubMed 31159747 (cited by 3 submitters); PubMed 37490054 (cited by 4 submitters); PubMed 28495237 (cited by Quest Diagnostics Nichols Institute San Juan Capistrano and Women's Health and Genetics/Laboratory Corporation of America, LabCorp); PubMed 28135139 (cited by Quest Diagnostics Nichols Institute San Juan Capistrano and Women's Health and Genetics/Laboratory Corporation of America, LabCorp); PubMed 27621404 (cited by Quest Diagnostics Nichols Institute San Juan Capistrano and Women's Health and Genetics/Laboratory Corporation of America, LabCorp); PubMed 25503501 (cited by Quest Diagnostics Nichols Institute San Juan Capistrano and Women's Health and Genetics/Laboratory Corporation of America, LabCorp); PubMed 24506336 (cited by Quest Diagnostics Nichols Institute San Juan Capistrano and Women's Health and Genetics/Laboratory Corporation of America, LabCorp); PubMed 18706089 (cited by Quest Diagnostics Nichols Institute San Juan Capistrano and Women's Health and Genetics/Laboratory Corporation of America, LabCorp); PubMed 31980526 (cited by Quest Diagnostics Nichols Institute San Juan Capistrano and Women's Health and Genetics/Laboratory Corporation of America, LabCorp); PubMed 31447099 (cited by Quest Diagnostics Nichols Institute San Juan Capistrano); PubMed 31360903 (cited by Quest Diagnostics Nichols Institute San Juan Capistrano and Women's Health and Genetics/Laboratory Corporation of America, LabCorp); PubMed 27798748 (cited by 4 submitters); PubMed 30067863 (cited by Quest Diagnostics Nichols Institute San Juan Capistrano); PubMed 33471991 (cited by 3 submitters); PubMed 26556299 (cited by Quest Diagnostics Nichols Institute San Juan Capistrano); PubMed 26681312 (cited by 4 submitters); PubMed 27433846 (cited by Quest Diagnostics Nichols Institute San Juan Capistrano and Ambry Genetics); PubMed 28104920 (cited by Quest Diagnostics Nichols Institute San Juan Capistrano); PubMed 28135145 (cited by Quest Diagnostics Nichols Institute San Juan Capistrano); PubMed 28944238 (cited by Quest Diagnostics Nichols Institute San Juan Capistrano and Ambry Genetics); PubMed 29520813 (cited by Quest Diagnostics Nichols Institute San Juan Capistrano); PubMed 29560538 (cited by Quest Diagnostics Nichols Institute San Juan Capistrano); PubMed 29625052 (cited by Quest Diagnostics Nichols Institute San Juan Capistrano); PubMed 29978187 (cited by Quest Diagnostics Nichols Institute San Juan Capistrano); PubMed 30322717 (cited by Quest Diagnostics Nichols Institute San Juan Capistrano); PubMed 29506128 (cited by Quest Diagnostics Nichols Institute San Juan Capistrano); PubMed 26270727 (cited by 5 submitters); PubMed 30676620 (cited by 4 submitters); PubMed 31948886 (cited by Quest Diagnostics Nichols Institute San Juan Capistrano and Women's Health and Genetics/Laboratory Corporation of America, LabCorp); PubMed 16551709 (cited by 4 submitters); PubMed 37449874 (cited by 3 submitters); PubMed 33471974 (cited by 3 submitters); PubMed 27806230 (cited by Ambry Genetics); PubMed 16914568 (cited by Women's Health and Genetics/Laboratory Corporation of America, LabCorp and Illumina Laboratory Services, Illumina); PubMed 26845104 (cited by Women's Health and Genetics/Laboratory Corporation of America, LabCorp); PubMed 28981386 (cited by Women's Health and Genetics/Laboratory Corporation of America, LabCorp); PubMed 29785153 (cited by Women's Health and Genetics/Laboratory Corporation of America, LabCorp).